The following is an entry in ClinVar:

ClinVar aggregate classification (germline): Benign. Review status: criteria provided, multiple submitters, no conflicts (2 of 4 stars). 12 submissions from 12 submitters: Benign (7). 5 of the submissions do not count toward it. Last evaluated 2026-02-04.

Conditions:
MAPT-Related Spectrum Disorders.
Frontotemporal dementia (FTD1). Also called: Frontotemporal Dementia with Parkinsonism-17 (FTDP-17); FRONTOTEMPORAL DEMENTIA WITH PARKINSONISM; FRONTOTEMPORAL LOBE DEMENTIA; MULTIPLE SYSTEM TAUOPATHY WITH PRESENILE DEMENTIA; Dementia, frontotemporal, with or without parkinsonism; WILHELMSEN-LYNCH DISEASE. Identifiers: Orphanet 282, MedGen C0338451, MONDO:0017276, OMIM 600274, HP:0002145.

Allele frequency attached by ClinVar (database versions not stated): 1000 Genomes Project 30x 0.08729; 1000 Genomes Project 0.08826; gnomAD exomes 0.14464 and 0.19625; gnomAD 0.14529 and 0.14782; ExAC 0.14580; TOPMed 0.15055; ESP Exome Variant Server 0.16392.
gnomAD v4.1: 305,630 of 1,600,658 alleles (19%); highest among the groups gnomAD compares: Non-Finnish European, 22%; 32,929 homozygotes.

Submissions (12):

Labcorp Genetics (formerly Invitae), Labcorp
Classification: Benign for Frontotemporal dementia. Last evaluated: 2026-02-04. Review status: criteria provided, single submitter. Criteria: Invitae Variant Classification Sherloc (09022015). Collection method: clinical testing. Allele origin: germline.

Mayo Clinic Laboratories, Mayo Clinic
Classification: Benign. Last evaluated: 2022-03-24. Review status: criteria provided, single submitter. Criteria: ACMG Guidelines, 2015. Collection method: clinical testing. Allele origin: germline. Observed: 357 variant alleles.

GeneDx
Classification: Benign. Last evaluated: 2018-08-11. Review status: criteria provided, single submitter. Criteria: GeneDx Variant Classification Process June 2021. Collection method: clinical testing. Allele origin: germline. Affected: yes.

Illumina Laboratory Services, Illumina
Classification: Benign for MAPT-Related Spectrum Disorders. Last evaluated: 2018-01-13. Review status: criteria provided, single submitter. Criteria: ICSL Variant Classification Criteria 13 December 2019. Collection method: clinical testing. Allele origin: germline.
Comment: This variant was observed in the ICSL laboratory as part of a predisposition screen in an ostensibly healthy population. It had not been previously curated by ICSL or reported in the Human Gene Mutation Database (HGMD: prior to June 1st, 2018), and was therefore a candidate for classification through an automated scoring system. Utilizing variant allele frequency, disease prevalence and penetrance estimates, and inheritance mode, an automated score was calculated to assess if this variant is too frequent to cause the disease. Based on the score and internal cut-off values, a variant classified as benign is not then subjected to further curation. The score for this variant resulted in a classification of benign for this disease.

Athena Diagnostics
Classification: Benign. Last evaluated: 2011-02-25. Review status: criteria provided, single submitter. Criteria: Athena Diagnostics Criteria. Collection method: clinical testing. Allele origin: germline.

Breakthrough Genomics
Classification: Benign. Review status: criteria provided, single submitter. Criteria: ACMG Guidelines, 2015. Collection method: not provided. Allele origin: germline. Inheritance: Autosomal recessive inheritance. Affected: yes.

PreventionGenetics, part of Exact Sciences
Classification: Benign. Review status: criteria provided, single submitter. Criteria: ACMG Guidelines, 2015. Collection method: clinical testing. Allele origin: germline.

Clinical Genetics DNA and cytogenetics Diagnostics Lab, Erasmus MC, Erasmus Medical Center
Classification: Benign. Review status: no assertion criteria provided. Collection method: clinical testing. Allele origin: germline. Affected: yes. Study: VKGL Data-share Consensus. Not counted in ClinVar's aggregate classification.

Clinical Genetics, Academic Medical Center
Classification: Benign. Review status: no assertion criteria provided. Collection method: clinical testing. Allele origin: germline. Affected: yes. Study: VKGL Data-share Consensus. Not counted in ClinVar's aggregate classification.

Genome Diagnostics Laboratory, Amsterdam University Medical Center
Classification: Benign. Review status: no assertion criteria provided. Collection method: clinical testing. Allele origin: germline. Affected: yes. Study: VKGL Data-share Consensus. Not counted in ClinVar's aggregate classification.

Joint Genome Diagnostic Labs from Nijmegen and Maastricht, Radboudumc and MUMC+
Classification: Benign. Review status: no assertion criteria provided. Collection method: clinical testing. Allele origin: germline. Affected: yes. Study: VKGL Data-share Consensus. Not counted in ClinVar's aggregate classification.

VIB  Department of Molecular Genetics, University of Antwerp
No classification provided. Review status: no classification provided. Collection method: not provided. Allele origin: not provided. Not counted in ClinVar's aggregate classification.

NM_001377265.1(MAPT):c.1857A>G (p.Ala619=)

Gene: MAPT (microtubule associated protein tau). Cytogenetic location: 17q21.31.
Variant type: single nucleotide variant.
Coding change: c.1857A>G on transcript NM_001377265.1 (MANE Select); coding-DNA position 1857, A replaced by G.
Protein change: p.Ala619=; no amino-acid change (alanine 619 retained).
Molecular consequence: synonymous variant. On other transcripts: non-coding transcript variant (1).
Genome position (GRCh38, 1-based): chr17:45,996,523, A>G. VCF-style: chr17-45996523-A-G. GRCh37 (hg19) VCF-style: chr17-44073889-A-G.
Other names: p.Ala227=; c.1686A>G, p.Ala562= (NM_001123066.4); c.594A>G, p.Ala198= (NM_001123067.4, NM_001203251.2, NM_001377267.1); c.681A>G, p.Ala227= (NM_001203252.2, NM_005910.6); c.1659A>G, p.Ala553= (NM_001377266.1); c.507A>G, p.Ala169= (NM_001377268.1, NM_016834.5, NM_016841.5); c.1632A>G, p.Ala544= (NM_016835.5).
Identifiers: ClinVar variation 98207 (VCV000098207.23), dbSNP rs1052553, ClinGen allele CA225407.